The following is an entry in ClinVar:

NM_006929.5(SKIC2):c.2878_2879delinsTT (p.Ala960Phe)

Gene: SKIC2 (SKI2 subunit of superkiller complex; plus strand). Cytogenetic location: 6p21.33.
Variant type: Indel.
Coding change: c.2878_2879delinsTT on transcript NM_006929.5 (MANE Select); coding-DNA positions 2878 to 2879, GC replaced by TT.
Protein change: p.Ala960Phe; replaces alanine 960 with phenylalanine.
Molecular consequence: missense variant.
Genome position (GRCh38, 1-based): chr6:31,968,347-31,968,348, GC replaced by TT. VCF-style: chr6-31968347-GC-TT. GRCh37 (hg19) VCF-style: chr6-31936124-GC-TT.
Other names: short protein forms A960F.
Identifiers: ClinVar variation 2119039 (VCV002119039.1), dbSNP rs2482996167, ClinGen allele CA2580074278.

ClinVar aggregate classification (germline): Uncertain significance (1 of 4 stars; one submission).

Submission:

Labcorp Genetics (formerly Invitae), Labcorp
Classification: Uncertain significance. Last evaluated: 2022-03-28. Review status: criteria provided, single submitter. Criteria: Invitae Variant Classification Sherloc (09022015). Collection method: clinical testing. Allele origin: germline.
Comment: This sequence change replaces alanine, which is neutral and non-polar, with phenylalanine, which is neutral and non-polar, at codon 960 of the SKIV2L protein (p.Ala960Phe). This variant is present in population databases (no rsID available, gnomAD 0.08%). This variant has not been reported in the literature in individuals affected with SKIV2L-related conditions. Algorithms developed to predict the effect of missense changes on protein structure and function are either unavailable or do not agree on the potential impact of this missense change (SIFT: "Not Available"; PolyPhen-2: "Benign"; Align-GVGD: "Not Available"). In summary, the available evidence is currently insufficient to determine the role of this variant in disease. Therefore, it has been classified as a Variant of Uncertain Significance.